The following is an entry in ClinVar:

NM_001267550.2(TTN):c.30242C>G (p.Thr10081Arg)

Gene: TTN (titin; minus strand). Cytogenetic location: 2q31.2.
Variant type: single nucleotide variant.
Coding change: c.30242C>G on transcript NM_001267550.2 (MANE Select); coding-DNA position 30242, C replaced by G.
Protein change: p.Thr10081Arg; replaces threonine 10081 with arginine.
Molecular consequence: missense variant. On other transcripts: intron variant (3).
Genome position (GRCh38, 1-based): chr2:178,702,645, G>C on the plus strand (C>G on the coding strand, the complement: TTN is on the minus strand). VCF-style: chr2-178702645-G-C. GRCh37 (hg19) VCF-style: chr2-179567372-G-C.
Other names: c.29291C>G, p.Thr9764Arg (NM_001256850.1); c.26510C>G, p.Thr8837Arg (NM_133378.4); c.13282+35437C>G (NM_003319.4); c.13858+35437C>G (NM_133437.4); c.13657+35437C>G (NM_133432.3); short protein forms T9764R, T10081R, T8837R.
Identifiers: ClinVar variation 681181 (VCV000681181.1), dbSNP rs1306890743, ClinGen allele CA349572293.

ClinVar aggregate classification (germline): Likely benign (1 of 4 stars; one submission).

Allele frequency attached by ClinVar (database versions not stated): gnomAD exomes below 0.00001; TOPMed below 0.00001; gnomAD 0.00001.
gnomAD v4.1: 2 of 1,613,274 alleles (0.00012%); highest among the groups gnomAD compares: African/African-American, 0.0013%; no homozygotes.

Submission:

GeneDx
Classification: Likely benign. Last evaluated: 2018-03-27. Review status: criteria provided, single submitter. Criteria: GeneDx Variant Classification (06012015). Collection method: clinical testing. Allele origin: germline. Affected: yes.
Comment: This variant is considered likely benign or benign based on one or more of the following criteria: it is a conservative change, it occurs at a poorly conserved position in the protein, it is predicted to be benign by multiple in silico algorithms, and/or has population frequency not consistent with disease.